The following is an entry in ClinVar:

ClinVar aggregate classification (germline): Uncertain significance (1 of 4 stars; one submission).

Conditions:
Adenylosuccinate lyase deficiency (ADSLD). Also called: ADSL DEFICIENCY. Identifiers: Orphanet 46, MedGen C0268126, MONDO:0007068, OMIM 103050.

Allele frequency attached by ClinVar (database versions not stated): gnomAD exomes below 0.00001 and 0.00001.

Submission:

Labcorp Genetics (formerly Invitae), Labcorp
Classification: Uncertain significance for Adenylosuccinate lyase deficiency. Last evaluated: 2022-08-15. Review status: criteria provided, single submitter. Criteria: Invitae Variant Classification Sherloc (09022015). Collection method: clinical testing. Allele origin: germline.
Comment: In summary, the available evidence is currently insufficient to determine the role of this variant in disease. Therefore, it has been classified as a Variant of Uncertain Significance. Algorithms developed to predict the effect of missense changes on protein structure and function are either unavailable or do not agree on the potential impact of this missense change (SIFT: "Deleterious"; PolyPhen-2: "Possibly Damaging"; Align-GVGD: "Class C0"). ClinVar contains an entry for this variant (Variation ID: 642209). This variant has not been reported in the literature in individuals affected with ADSL-related conditions. This variant is present in population databases (no rsID available, gnomAD 0.006%). This sequence change replaces alanine, which is neutral and non-polar, with threonine, which is neutral and polar, at codon 411 of the ADSL protein (p.Ala411Thr).

NM_000026.4(ADSL):c.1231G>A (p.Ala411Thr)

Gene: ADSL (adenylosuccinate lyase; plus strand). Cytogenetic location: 22q13.1.
Variant type: single nucleotide variant.
Coding change: c.1231G>A on transcript NM_000026.4 (MANE Select); coding-DNA position 1231, G replaced by A.
Protein change: p.Ala411Thr; replaces alanine 411 with threonine.
Molecular consequence: missense variant. On other transcripts: non-coding transcript variant (1), intron variant (1).
Genome position (GRCh38, 1-based): chr22:40,364,919, G>A. VCF-style: chr22-40364919-G-A. GRCh37 (hg19) VCF-style: chr22-40760923-G-A.
Other names: c.1039G>A, p.Ala347Thr (NM_001317923.2); c.1231G>A, p.Ala411Thr (NM_001363840.3); c.1191+554G>A (NM_001123378.3); short protein forms A411T, A347T.
Identifiers: ClinVar variation 642209 (VCV000642209.6), dbSNP rs1196254689, ClinGen allele CA411647739.